The following is an entry in ClinVar:

NM_001165963.4(SCN1A):c.4168G>A (p.Val1390Met)

Genes: SCN1A (sodium voltage-gated channel alpha subunit 1; minus strand), LOC102724058 (uncharacterized LOC102724058; plus strand). Cytogenetic location: 2q24.3.
Variant type: single nucleotide variant.
Coding change: c.4168G>A on transcript NM_001165963.4 (MANE Select); coding-DNA position 4168, G replaced by A.
Protein change: p.Val1390Met; replaces valine 1390 with methionine.
Molecular consequence: missense variant. On other transcripts: non-coding transcript variant (1).
Genome position (GRCh38, 1-based): chr2:166,002,588, C>T on the plus strand (G>A on the coding strand, the complement: SCN1A is on the minus strand). VCF-style: chr2-166002588-C-T. GRCh37 (hg19) VCF-style: chr2-166859098-C-T.
Other names: c.4084G>A, p.Val1362Met (NM_001165964.3, NM_001353957.2, NM_001353958.2); c.4168G>A, p.Val1390Met (NM_001202435.3, NM_001353948.2); c.4135G>A, p.Val1379Met (NM_001353949.2, NM_001353950.2, NM_001353951.2 and 2 more transcripts); c.4132G>A, p.Val1378Met (NM_001353954.2, NM_001353955.2); c.4081G>A, p.Val1361Met (NM_001353960.2); c.1726G>A, p.Val576Met (NM_001353961.2); short protein forms V1379M, V1390M, V1378M, V1362M, V1361M, V576M.
Identifiers: ClinVar variation 68537 (VCV000068537.24), dbSNP rs121917986, ClinGen allele CA284940.

ClinVar aggregate classification (germline): Pathogenic/Likely pathogenic. Review status: criteria provided, multiple submitters, no conflicts (2 of 4 stars). 13 submissions from 13 submitters: Pathogenic (9); Likely pathogenic (1). 3 of the submissions do not count toward it. Last evaluated 2025-12-01.

Conditions:
SCN1A-related disorder. Also called: SCN1A-related conditions; SCN1A-related condition; SCN1A-related disorders.
Severe myoclonic epilepsy in infancy (DRVT). Also called: SEVERE MYOCLONIC EPILEPSY OF INFANCY; Epileptic encephalopathy, early infantile, 6 (Dravet syndrome); DEVELOPMENTAL AND EPILEPTIC ENCEPHALOPATHY 6A; Dravet syndrome; Severe Myoclonic Epilepsy in Infancy (SMEI). Identifiers: Orphanet 33069, MedGen C0751122, MONDO:0100135, OMIM 607208.
Seizure. Also called: Seizures. Identifiers: MedGen C0036572, HP:0001250.
Inborn genetic diseases. Identifiers: MedGen C0950123, MeSH D030342.
Early-infantile DEE. Also called: Early infantile epileptic encephalopathy; Ohtahara syndrome; Early infantile epileptic encephalopathy with suppression bursts. Identifiers: Orphanet 1934, MedGen C0393706, MONDO:0800491.

Submissions (13):

Labcorp Genetics (formerly Invitae), Labcorp
Classification: Pathogenic for Early-infantile DEE. Last evaluated: 2025-12-01. Review status: criteria provided, single submitter. Criteria: Invitae Variant Classification Sherloc (09022015). Collection method: clinical testing. Allele origin: germline.
Comment: This sequence change replaces valine, which is neutral and non-polar, with methionine, which is neutral and non-polar, at codon 1390 of the SCN1A protein (p.Val1390Met). This variant is not present in population databases (gnomAD no frequency). This missense change has been observed in individual(s) with Dravet syndrome (PMID: 12083760, 20431604, 22780858, 23762420, 29141279, 30182498). In at least one individual the variant was observed to be de novo. This variant is also known as c.A3169G p.V1380M. ClinVar contains an entry for this variant (Variation ID: 68537). Invitae Evidence Modeling of protein sequence and biophysical properties (such as structural, functional, and spatial information, amino acid conservation, physicochemical variation, residue mobility, and thermodynamic stability) indicates that this missense variant is expected to disrupt SCN1A protein function with a positive predictive value of 95%. For these reasons, this variant has been classified as Pathogenic.

3billion
Classification: Pathogenic for Severe myoclonic epilepsy in infancy. Last evaluated: 2025-11-13. Review status: criteria provided, single submitter. Criteria: ACMG Guidelines, 2015. Collection method: clinical testing. Allele origin: germline. Affected: yes.
Comment: The variant is not observed in the gnomAD v4.1.0 dataset. Predicted Consequence/Location: Missense variant In silico tool predictions suggest damaging effect of the variant on gene or gene product [REVEL: 0.74 (>=0.6, sensitivity 0.68 and specificity 0.92); 3Cnet: 0.98 (> 0.75, sensitivity 0.96 and precision 0.92)]. The same nucleotide change resulting in the same amino acid change has been previously reported as pathogenic/likely pathogenic with strong evidence (ClinVar ID: VCV000068537 /PMID: 12083760 /3billion dataset). The variant has been previously reported as assumed (i.e. paternity and maternity not confirmed) de novo in at least one similarly affected unrelated individual (PMID: 30182498). Different missense changes at the same codon (p.Val1390Ala, p.Val1390Leu) have been reported as pathogenic/likely pathogenic with strong evidence (ClinVar ID: VCV000190014, VCV002107915, VCV002734302 /PMID: 21775168). Therefore, this variant is classified as Pathogenic according to the recommendation of ACMG/AMP guideline.

Cytogénomique, Hospices Civils de Lyon
Classification: Pathogenic for Seizure. Last evaluated: 2025-11-10. Review status: criteria provided, single submitter. Criteria: ACMG Guidelines, 2015. Collection method: clinical testing. Allele origin: unknown. Affected: yes.

Laboratoire de Génétique Moléculaire, CHU Bordeaux
Classification: Pathogenic for Severe myoclonic epilepsy in infancy. Last evaluated: 2024-12-26. Review status: criteria provided, single submitter. Criteria: ACMG Guidelines, 2015. Collection method: clinical testing. Allele origin: germline. Affected: yes.

Blueprint Genetics
Classification: Pathogenic for SCN1A-related disorders. Last evaluated: 2024-11-05. Review status: criteria provided, single submitter. Criteria: ACMG Guidelines, 2015. Collection method: clinical testing. Allele origin: germline. Affected: yes. Observed: 4 variant alleles.

Genetics and Genomic Medicine Centre, NeuroGen Healthcare, NeuroGen Healthcare
Classification: Pathogenic for Severe myoclonic epilepsy in infancy. Last evaluated: 2024-05-07. Review status: criteria provided, single submitter. Criteria: ACMG Guidelines, 2015. Collection method: clinical testing. Allele origin: unknown. Affected: yes.

Institute of Human Genetics, University of Leipzig Medical Center
Classification: Pathogenic for Severe myoclonic epilepsy in infancy. Last evaluated: 2023-02-08. Review status: criteria provided, single submitter. Criteria: ACMG Guidelines, 2015. Collection method: clinical testing. Allele origin: de novo. Affected: yes.
Comment: This variant was identified as de novo (maternity and paternity confirmed)._x000D_ Criteria applied: PS2, PS4_MOD, PM5, PM1_SUP, PM2_SUP,PP2, PP3

GeneDx
Classification: Pathogenic. Last evaluated: 2021-11-15. Review status: criteria provided, single submitter. Criteria: GeneDx Variant Classification Process June 2021. Collection method: clinical testing. Allele origin: germline. Affected: yes.
Comment: Not observed in large population cohorts (Lek et al., 2016); Missense variants in this gene are often considered pathogenic (Stenson et al., 2014); This substitution is predicted to be within the extracellular loop between the S5 and S6 transmembrane segments of the third homologous domain; In silico analysis supports that this missense variant has a deleterious effect on protein structure/function; This variant is associated with the following publications: (PMID: 20431604, 26096185, 31864146, 12083760, 17347258, 15277629, 22780858, 31879226, 29141279, 33108073, 23762420, 31031587, 18804930)

Ambry Genetics
Classification: Likely pathogenic for Inborn genetic diseases. Last evaluated: 2018-06-20. Review status: criteria provided, single submitter. Criteria: Ambry Variant Classification Scheme 2023. Collection method: clinical testing. Allele origin: germline.
Comment: The p.V1390M variant (also known as c.4168G>A), located in coding exon 21 of the SCN1A gene, results from a G to A substitution at nucleotide position 4168. The valine at codon 1390 is replaced by methionine, an amino acid with highly similar properties. This variant has been detected in several individuals with clinical diagnoses of Dravet syndrome (Aljaafari D et al. Epilepsia, 2017 03;58:e44-e48; Rilstone JJ et al. Epilepsia, 2012 Aug;53:1421-8; Cho MJ et al. J Clin Neurol, 2018 Jan;14:22-28) and as a de novo occurrence in an individual with borderline severe myoclonic epilepsy of infancy (SMEI) (Sun H et al. Epilepsia, 2008 Jun;49:1104-7). In addition, a different alteration located at the same position, p.V1390L (c.4168G>T), has been detected in an individual with Dravet syndrome and co-segregated with disease in a family with a variable epilepsy phenotype (Tian X et al. Dev Med Child Neurol, 2018 06;60:566-573; Mhanni AA et al. Seizure, 2011 Nov;20:711-2). This amino acid position is well conserved in available vertebrate species. In addition, this alteration is predicted to be deleterious by in silico analysis. Based on the majority of available evidence to date, this variant is likely to be pathogenic.

Center for Bioinformatics, Peking University
Classification: Pathogenic for Dravet syndrome. Last evaluated: 2014-12-20. Review status: criteria provided, single submitter. Criteria: Xu et al. (Hum Mutat. 2015). Collection method: research. Allele origin: de novo. Affected: yes. Observed: 4 variant alleles. Study: University Clinical Cooperation “985 Project” PKU-2014-1-1.
Comment: Dravet syndrome (DS) probands were recruited from the outpatient and inpatient child neurology units of Peking University First Hospital from 2005 till present. The study was approved by the Ethics Committee of Peking University First Hospital and the Institutional Review Board at Peking University. Participants or their parents provided written informed consent before enrollment. We collected a total of 267 mutations from 255 families with probands diagnosed with DS in China. All probands fulfilled the clinical diagnostic criteria.

Diagnostic Laboratory, Department of Genetics, University Medical Center Groningen
Classification: Pathogenic. Review status: no assertion criteria provided. Collection method: clinical testing. Allele origin: germline. Affected: yes. Study: VKGL Data-share Consensus. Not counted in ClinVar's aggregate classification.

Genome Diagnostics Laboratory, University Medical Center Utrecht
Classification: Pathogenic. Review status: no assertion criteria provided. Collection method: clinical testing. Allele origin: germline. Affected: yes. Study: VKGL Data-share Consensus. Not counted in ClinVar's aggregate classification.

UniProtKB/Swiss-Prot
No classification provided. Condition: Severe myoclonic epilepsy in infancy. Review status: no classification provided. Collection method: not provided. Allele origin: unknown. Not counted in ClinVar's aggregate classification.

Literature cited by the submitters: PubMed 12083760 (cited by Labcorp Genetics (formerly Invitae), Labcorp and 3billion); PubMed 20431604 (cited by Labcorp Genetics (formerly Invitae), Labcorp); PubMed 22780858 (cited by Labcorp Genetics (formerly Invitae), Labcorp and Ambry Genetics); PubMed 23762420 (cited by Labcorp Genetics (formerly Invitae), Labcorp); PubMed 29141279 (cited by Labcorp Genetics (formerly Invitae), Labcorp and Ambry Genetics); PubMed 30182498 (cited by Labcorp Genetics (formerly Invitae), Labcorp and 3billion); PubMed 21775168 (cited by 3billion); PubMed 18554359 (cited by Ambry Genetics); PubMed 28186331 (cited by Ambry Genetics).